The following is an entry in ClinVar:

NM_000535.7(PMS2):c.2037T>G (p.Ile679Met)

Gene: PMS2 (PMS1 homolog 2, mismatch repair system component; minus strand). Cytogenetic location: 7p22.1.
Variant type: single nucleotide variant.
Coding change: c.2037T>G on transcript NM_000535.7 (MANE Select); coding-DNA position 2037, T replaced by G.
Protein change: p.Ile679Met; replaces isoleucine 679 with methionine.
Molecular consequence: missense variant. On other transcripts: non-coding transcript variant (1).
Genome position (GRCh38, 1-based): chr7:5,982,961, A>C on the plus strand (T>G on the coding strand, the complement: PMS2 is on the minus strand). VCF-style: chr7-5982961-A-C. GRCh37 (hg19) VCF-style: chr7-6022592-A-C.
Other names: c.1632T>G, p.Ile544Met (NM_001322003.2, NM_001322004.2, NM_001322005.2 and 1 more transcripts); c.1881T>G, p.Ile627Met (NM_001322006.2); c.1719T>G, p.Ile573Met (NM_001322007.2, NM_001322008.2); c.1476T>G, p.Ile492Met (NM_001322010.2); c.1104T>G, p.Ile368Met (NM_001322011.2, NM_001322012.2); c.1464T>G, p.Ile488Met (NM_001322013.2); c.2037T>G, p.Ile679Met (NM_001322014.2); c.1728T>G, p.Ile576Met (NM_001322015.2); short protein forms I679M, I368M, I488M, I492M, I627M, I544M, I576M, I573M.
Identifiers: ClinVar variation 574795 (VCV000574795.12), dbSNP rs63751026, ClinGen allele CA153224931.
Genomic context (GRCh38, chr7:5,982,961, plus strand): 5'-GTCCACTATGAAGATATCCTCATTCAGTTTGGTTATTATAAATCCCAGGTTAAACTGACC[A>C]ATGATTTCCATTTCTGCAAACATCGTTTTACTGCAGGTAGAAAATGTTAATTATCAGACA-3'
Protein context (NP_000526.2, residues 669-689): SKTMFAEMEI[Ile679Met]GQFNLGFIIT

ClinVar aggregate classification (germline): Uncertain significance. Review status: criteria provided, multiple submitters, no conflicts (2 of 4 stars). 2 submissions from 2 submitters: Uncertain significance (2). Last evaluated 2025-08-06.

Conditions:
Hereditary nonpolyposis colorectal neoplasms. Identifiers: MedGen C0009405, MeSH D003123.
Hereditary cancer-predisposing syndrome. Also called: Neoplastic Syndromes, Hereditary; Hereditary Cancer Syndrome; Tumor predisposition; Hereditary neoplastic syndrome. Identifiers: Orphanet 140162, MedGen C0027672, MeSH D009386, MONDO:0015356.

Submissions (2):

Ambry Genetics
Classification: Uncertain significance for Hereditary cancer-predisposing syndrome. Last evaluated: 2025-08-06. Review status: criteria provided, single submitter. Criteria: Ambry Variant Classification Scheme 2023. Collection method: clinical testing. Allele origin: germline.
Comment: The p.I679M variant (also known as c.2037T>G), located in coding exon 12 of the PMS2 gene, results from a T to G substitution at nucleotide position 2037. The isoleucine at codon 679 is replaced by methionine, an amino acid with highly similar properties. This amino acid position is not well conserved in available vertebrate species. In addition, the in silico prediction for this alteration is inconclusive. Since supporting evidence is limited at this time, the clinical significance of this alteration remains unclear.

Labcorp Genetics (formerly Invitae), Labcorp
Classification: Uncertain significance for Hereditary nonpolyposis colorectal neoplasms. Last evaluated: 2022-07-04. Review status: criteria provided, single submitter. Criteria: Invitae Variant Classification Sherloc (09022015). Collection method: clinical testing. Allele origin: germline.
Comment: In summary, the available evidence is currently insufficient to determine the role of this variant in disease. Therefore, it has been classified as a Variant of Uncertain Significance. Advanced modeling of protein sequence and biophysical properties (such as structural, functional, and spatial information, amino acid conservation, physicochemical variation, residue mobility, and thermodynamic stability) performed at Invitae indicates that this missense variant is not expected to disrupt PMS2 protein function. ClinVar contains an entry for this variant (Variation ID: 574795). This variant has not been reported in the literature in individuals affected with PMS2-related conditions. The frequency data for this variant in the population databases (gnomAD) is considered unreliable due to the presence of homologous sequence, such as pseudogenes or paralogs, in the genome. This sequence change replaces isoleucine, which is neutral and non-polar, with methionine, which is neutral and non-polar, at codon 679 of the PMS2 protein (p.Ile679Met).